The following is an entry in ClinVar:

NM_014452.5(TNFRSF21):c.1580A>G (p.Asn527Ser)

Gene: TNFRSF21 (TNF receptor superfamily member 21; minus strand). Cytogenetic location: 6p12.3.
Variant type: single nucleotide variant.
Coding change: c.1580A>G on transcript NM_014452.5 (MANE Select); coding-DNA position 1580, A replaced by G.
Protein change: p.Asn527Ser; replaces asparagine 527 with serine.
Molecular consequence: missense variant.
Genome position (GRCh38, 1-based): chr6:47,234,828, T>C on the plus strand (A>G on the coding strand, the complement: TNFRSF21 is on the minus strand). VCF-style: chr6-47234828-T-C. GRCh37 (hg19) VCF-style: chr6-47202564-T-C.
Other names: short protein forms N527S.
Identifiers: ClinVar variation 3352684 (VCV003352684.1).

ClinVar aggregate classification (germline): Likely benign (0 of 4 stars; one submission).

Conditions:
TNFRSF21-related condition.

gnomAD v4.1: 1,727 of 1,545,374 alleles (0.11%); highest among the groups gnomAD compares: Admixed American, 0.15%; 1 homozygote.

Submission:

PreventionGenetics, part of Exact Sciences
Classification: Likely benign for TNFRSF21-related condition. Last evaluated: 2024-06-28. Review status: no assertion criteria provided. Collection method: clinical testing. Allele origin: germline.
Comment: This variant is classified as likely benign based on ACMG/AMP sequence variant interpretation guidelines (Richards et al. 2015 PMID: 25741868, with internal and published modifications).